The following is an entry in ClinVar:

NM_006766.5(KAT6A):c.5180G>C (p.Gly1727Ala)

Gene: KAT6A (lysine acetyltransferase 6A; minus strand). Cytogenetic location: 8p11.21.
Variant type: single nucleotide variant.
Coding change: c.5180G>C on transcript NM_006766.5 (MANE Select); coding-DNA position 5180, G replaced by C.
Protein change: p.Gly1727Ala; replaces glycine 1727 with alanine.
Molecular consequence: missense variant.
Genome position (GRCh38, 1-based): chr8:41,933,040, C>G on the plus strand (G>C on the coding strand, the complement: KAT6A is on the minus strand). VCF-style: chr8-41933040-C-G. GRCh37 (hg19) VCF-style: chr8-41790558-C-G.
Other names: short protein forms G1727A.
Identifiers: ClinVar variation 3691370 (VCV003691370.2).

ClinVar aggregate classification (germline): Uncertain significance (1 of 4 stars; one submission).

Submission:

Labcorp Genetics (formerly Invitae), Labcorp
Classification: Uncertain significance. Last evaluated: 2024-10-21. Review status: criteria provided, single submitter. Criteria: Invitae Variant Classification Sherloc (09022015). Collection method: clinical testing. Allele origin: germline.
Comment: This sequence change replaces glycine, which is neutral and non-polar, with alanine, which is neutral and non-polar, at codon 1727 of the KAT6A protein (p.Gly1727Ala). This variant is not present in population databases (gnomAD no frequency). This variant has not been reported in the literature in individuals affected with KAT6A-related conditions. Invitae Evidence Modeling of protein sequence and biophysical properties (such as structural, functional, and spatial information, amino acid conservation, physicochemical variation, residue mobility, and thermodynamic stability) indicates that this missense variant is not expected to disrupt KAT6A protein function with a negative predictive value of 95%. In summary, the available evidence is currently insufficient to determine the role of this variant in disease. Therefore, it has been classified as a Variant of Uncertain Significance.